The following is an entry in ClinVar:

ClinVar aggregate classification (germline): Uncertain significance (1 of 4 stars; one submission).

Conditions:
Insulin-dependent diabetes mellitus secretory diarrhea syndrome (IPEX). Also called: Immune dysregulation-polyendocrinopathy-enteropathy-X-linked syndrome; IMMUNODEFICIENCY, POLYENDOCRINOPATHY, AND ENTEROPATHY, X-LINKED; X-Linked Autoimmunity-Allergic Dysregulation Syndrome; IPEX and IPEX-Like; Immunodeficiency, Polyendocrinopathy, and Enteropathy X-Linked Syndrome; X-Linked Syndrome of Polyendocrinopathy, Immune Dysfunction, and Diarrhea. Identifiers: Orphanet 37042, MedGen C0342288, MONDO:0010580, OMIM 304790. Disease mechanism: loss of function.

Allele frequency attached by ClinVar (database versions not stated): ExAC below 0.00001; gnomAD exomes below 0.00001.
gnomAD v4.1: 1 of 1,209,301 alleles (0.000083%); highest among the groups gnomAD compares: Non-Finnish European, 0.00011%; no homozygotes.

Submission:

Labcorp Genetics (formerly Invitae), Labcorp
Classification: Uncertain significance for Insulin-dependent diabetes mellitus secretory diarrhea syndrome. Last evaluated: 2025-09-15. Review status: criteria provided, single submitter. Criteria: Invitae Variant Classification Sherloc (09022015). Collection method: clinical testing. Allele origin: germline.
Comment: This sequence change replaces alanine, which is neutral and non-polar, with threonine, which is neutral and polar, at codon 343 of the FOXP3 protein (p.Ala343Thr). This variant is not present in population databases (gnomAD no frequency). This variant has not been reported in the literature in individuals affected with FOXP3-related conditions. ClinVar contains an entry for this variant (Variation ID: 940034). Invitae Evidence Modeling of protein sequence and biophysical properties (such as structural, functional, and spatial information, amino acid conservation, physicochemical variation, residue mobility, and thermodynamic stability) indicates that this missense variant is expected to disrupt FOXP3 protein function with a positive predictive value of 80%. In summary, the available evidence is currently insufficient to determine the role of this variant in disease. Therefore, it has been classified as a Variant of Uncertain Significance.

NM_014009.4(FOXP3):c.1027G>A (p.Ala343Thr)

Gene: FOXP3 (forkhead box P3; minus strand). Cytogenetic location: Xp11.23.
Variant type: single nucleotide variant.
Coding change: c.1027G>A on transcript NM_014009.4 (MANE Select); coding-DNA position 1027, G replaced by A.
Protein change: p.Ala343Thr; replaces alanine 343 with threonine.
Molecular consequence: missense variant.
Genome position (GRCh38, 1-based): chrX:49,253,143, C>T on the plus strand (G>A on the coding strand, the complement: FOXP3 is on the minus strand). VCF-style: chrX-49253143-C-T. GRCh37 (hg19) VCF-style: chrX-49109604-C-T.
Other names: c.922G>A, p.Ala308Thr (NM_001114377.2); short protein forms A308T, A343T.
Identifiers: ClinVar variation 940034 (VCV000940034.2), dbSNP rs782649847, ClinGen allele CA10411684.